The following is an entry in ClinVar:

NM_014813.3(LRIG2):c.531C>T (p.Asn177=)

Gene: LRIG2 (leucine rich repeats and immunoglobulin like domains 2; plus strand). Cytogenetic location: 1p13.2.
Variant type: single nucleotide variant.
Coding change: c.531C>T on transcript NM_014813.3 (MANE Select); coding-DNA position 531, C replaced by T.
Protein change: p.Asn177=; no amino-acid change (asparagine 177 retained).
Molecular consequence: synonymous variant.
Genome position (GRCh38, 1-based): chr1:113,094,354, C>T. VCF-style: chr1-113094354-C-T. GRCh37 (hg19) VCF-style: chr1-113636976-C-T.
Other names: c.222C>T, p.Asn74= (NM_001312686.2).
Identifiers: ClinVar variation 3356900 (VCV003356900.2).
Genomic context (GRCh38, chr1:113,094,354, plus strand): 5'-TATTTTACTAAATTTTTTCTTTTGCTATTATCTTGTTTATTTTAGGAATTTAAGTAATAA[C>T]AGAATAACCACCTTGGAGGCTGGTTGCTTCGATAATTTATCAAGTTCCTTATTAGTGGTA-3'
Protein context (NP_055628.1, residues 167-187): MQLKYLNLSN[Asn177=]RITTLEAGCF

ClinVar aggregate classification (germline): Likely benign. Review status: criteria provided, single submitter (1 of 4 stars). 2 submissions from 2 submitters: Likely benign (1). 1 of the submissions does not count toward it. Last evaluated 2021-11-05.

Conditions:
LRIG2-related disorder. Also called: LRIG2-related condition.

gnomAD v4.1: 41 of 1,602,100 alleles (0.0026%); highest among the groups gnomAD compares: Non-Finnish European, 0.0031%; no homozygotes.

Submissions (2):

Blueprint Genetics
Classification: Likely benign. Last evaluated: 2021-11-05. Review status: criteria provided, single submitter. Criteria: ACMG Guidelines, 2015. Collection method: clinical testing. Allele origin: germline.

PreventionGenetics, part of Exact Sciences
Classification: Likely benign for LRIG2-related condition. Last evaluated: 2024-07-28. Review status: no assertion criteria provided. Collection method: clinical testing. Allele origin: germline. Not counted in ClinVar's aggregate classification.
Comment: This variant is classified as likely benign based on ACMG/AMP sequence variant interpretation guidelines (Richards et al. 2015 PMID: 25741868, with internal and published modifications).